The following is an entry in ClinVar:

NM_001277115.2(DNAH11):c.6007A>G (p.Thr2003Ala)

Gene: DNAH11 (dynein axonemal heavy chain 11; plus strand). Cytogenetic location: 7p15.3.
Variant type: single nucleotide variant.
Coding change: c.6007A>G on transcript NM_001277115.2 (MANE Select); coding-DNA position 6007, A replaced by G.
Protein change: p.Thr2003Ala; replaces threonine 2003 with alanine.
Molecular consequence: missense variant.
Genome position (GRCh38, 1-based): chr7:21,690,847, A>G. VCF-style: chr7-21690847-A-G. GRCh37 (hg19) VCF-style: chr7-21730465-A-G.
Other names: short protein forms T2003A.
Identifiers: ClinVar variation 3840839 (VCV003840839.2).

ClinVar aggregate classification (germline): Uncertain significance. Review status: criteria provided, multiple submitters, no conflicts (2 of 4 stars). 2 submissions from 2 submitters: Uncertain significance (2). Last evaluated 2025-04-18.

Conditions:
Primary ciliary dyskinesia. Also called: Ciliary dyskinesia. Identifiers: Orphanet 244, MedGen C0008780, MONDO:0016575, HP:0012265.

Submissions (2):

GeneDx
Classification: Uncertain significance. Last evaluated: 2025-04-18. Review status: criteria provided, single submitter. Criteria: GeneDx Variant Classification Process June 2021. Collection method: clinical testing. Allele origin: germline. Affected: yes.
Comment: Not observed at significant frequency in large population cohorts (gnomAD); In silico analysis supports that this missense variant has a deleterious effect on protein structure/function; Has not been previously published as pathogenic or benign to our knowledge

Ambry Genetics
Classification: Uncertain significance for Primary ciliary dyskinesia. Last evaluated: 2025-01-07. Review status: criteria provided, single submitter. Criteria: Ambry Variant Classification Scheme 2023. Collection method: clinical testing. Allele origin: germline.